The following is an entry in ClinVar:

ClinVar aggregate classification (germline): Uncertain significance (1 of 4 stars; one submission).

Conditions:
RYR1-related disorder. Also called: RYR1-related condition; RYR1-related disorders. Identifiers: MedGen CN239331.

Submission:

Labcorp Genetics (formerly Invitae), Labcorp
Classification: Uncertain significance for RYR1-related disorder. Last evaluated: 2022-11-01. Review status: criteria provided, single submitter. Criteria: Invitae Variant Classification Sherloc (09022015). Collection method: clinical testing. Allele origin: germline.
Comment: This sequence change replaces proline, which is neutral and non-polar, with glutamine, which is neutral and polar, at codon 2990 of the RYR1 protein (p.Pro2990Gln). In summary, the available evidence is currently insufficient to determine the role of this variant in disease. Therefore, it has been classified as a Variant of Uncertain Significance. Advanced modeling of protein sequence and biophysical properties (such as structural, functional, and spatial information, amino acid conservation, physicochemical variation, residue mobility, and thermodynamic stability) performed at Invitae indicates that this missense variant is not expected to disrupt RYR1 protein function. This variant has not been reported in the literature in individuals affected with RYR1-related conditions. This variant is not present in population databases (gnomAD no frequency).

NM_000540.3(RYR1):c.8969C>A (p.Pro2990Gln)

Gene: RYR1 (ryanodine receptor 1; plus strand). Cytogenetic location: 19q13.2.
Variant type: single nucleotide variant.
Coding change: c.8969C>A on transcript NM_000540.3 (MANE Select); coding-DNA position 8969, C replaced by A.
Protein change: p.Pro2990Gln; replaces proline 2990 with glutamine.
Molecular consequence: missense variant.
Genome position (GRCh38, 1-based): chr19:38,510,534, C>A. VCF-style: chr19-38510534-C-A. GRCh37 (hg19) VCF-style: chr19-39001174-C-A.
Other names: c.8969C>A, p.Pro2990Gln (NM_001042723.2); short protein forms P2990Q.
Identifiers: ClinVar variation 2976308 (VCV002976308.3), dbSNP rs768538971, ClinGen allele CA405683421.